The following is an entry in ClinVar:

NM_006904.7(PRKDC):c.9161A>G (p.Gln3054Arg)

Gene: PRKDC (protein kinase, DNA-activated, catalytic subunit; minus strand). Cytogenetic location: 8q11.21.
Variant type: single nucleotide variant.
Coding change: c.9161A>G on transcript NM_006904.7 (MANE Select); coding-DNA position 9161, A replaced by G.
Protein change: p.Gln3054Arg; replaces glutamine 3054 with arginine.
Molecular consequence: missense variant.
Genome position (GRCh38, 1-based): chr8:47,820,894, T>C on the plus strand (A>G on the coding strand, the complement: PRKDC is on the minus strand). VCF-style: chr8-47820894-T-C. GRCh37 (hg19) VCF-style: chr8-48733455-T-C.
Other names: c.9161A>G, p.Gln3054Arg (NM_001081640.2); short protein forms Q3054R.
Identifiers: ClinVar variation 1946222 (VCV001946222.3), dbSNP rs1327058338, ClinGen allele CA371139812.

ClinVar aggregate classification (germline): Uncertain significance (1 of 4 stars; one submission).

Conditions:
Severe combined immunodeficiency due to DNA-PKcs deficiency. Also called: IMMUNODEFICIENCY 26 WITH NEUROLOGIC ABNORMALITIES; Immunodeficiency 26 with or without neurologic abnormalities. Identifiers: Orphanet 317425, MedGen C4014833, MONDO:0014423, OMIM 615966.

gnomAD v4.1: 2 of 1,609,024 alleles (0.00012%); highest among the groups gnomAD compares: African/African-American, 0.0013%; no homozygotes.

Submission:

Labcorp Genetics (formerly Invitae), Labcorp
Classification: Uncertain significance for Severe combined immunodeficiency due to DNA-PKcs deficiency. Last evaluated: 2022-06-23. Review status: criteria provided, single submitter. Criteria: Invitae Variant Classification Sherloc (09022015). Collection method: clinical testing. Allele origin: germline.
Comment: In summary, the available evidence is currently insufficient to determine the role of this variant in disease. Therefore, it has been classified as a Variant of Uncertain Significance. Experimental studies and prediction algorithms are not available or were not evaluated, and the functional significance of this variant is currently unknown. This variant has not been reported in the literature in individuals affected with PRKDC-related conditions. This variant is not present in population databases (gnomAD no frequency). This sequence change replaces glutamine, which is neutral and polar, with arginine, which is basic and polar, at codon 3054 of the PRKDC protein (p.Gln3054Arg).